The following is an entry in ClinVar:

ClinVar aggregate classification (germline): Conflicting classifications of pathogenicity. Review status: criteria provided, conflicting classifications (1 of 4 stars). 12 submissions from 12 submitters: Pathogenic (2); Likely pathogenic (4); Uncertain significance (4). 2 of the submissions do not count toward it. Last evaluated 2025-12-16.

Conditions:
CYP11B1-related disorder. Also called: CYP11B1-related condition.
Glucocorticoid-remediable aldosteronism. Also called: ACTH-DEPENDENT HYPERALDOSTERONISM SYNDROME; ALDOSTERONISM, SENSITIVE TO DEXAMETHASONE; Hyperaldosteronism, familial, type I; GLUCOCORTICOID-SUPPRESSIBLE HYPERALDOSTERONISM; FH I. Identifiers: Orphanet 403, MedGen C3838731, MONDO:0007080, OMIM 103900.
Deficiency of steroid 11-beta-monooxygenase (CYP11B1). Also called: 11-BETA-HYDROXYLASE DEFICIENCY; ADRENAL HYPERPLASIA, CONGENITAL, DUE TO STEROID 11-BETA-HYDROXYLASE DEFICIENCY; Congenital adrenal hyperplasia due to 11-beta-hydroxylase deficiency; ADRENAL HYPERPLASIA IV; P450C11B1 DEFICIENCY; STEROID 11-BETA-HYDROXYLASE DEFICIENCY. Identifiers: Orphanet 90795, MedGen C0268292, MONDO:0008729, OMIM 202010. Disease mechanism: loss of function.
Congenital adrenal hyperplasia. Identifiers: Orphanet 418, MedGen C0001627, MONDO:0018479, HP:0008258.

Allele frequency attached by ClinVar (database versions not stated): gnomAD exomes 0.00004; gnomAD 0.00006; ExAC 0.00007; ESP Exome Variant Server 0.00015; 1000 Genomes Project 0.00020; TOPMed 0.00020; 1000 Genomes Project 30x 0.00031.

Submissions (12):

Myriad Genetics, Inc.
Classification: Uncertain significance for Deficiency of steroid 11-beta-monooxygenase. Last evaluated: 2025-12-16. Review status: criteria provided, single submitter. Criteria: Myriad Autosomal Dominant, Autosomal Recessive and X-Linked Classification Criteria (2023). Collection method: clinical testing. Allele origin: unknown.
Comment: NM_000497.3(CYP11B1):c.799+5G>C is an intronic variant classified as a variant of uncertain significance in the context of congenital adrenal hyperplasia, CYP11B1-related. c.799+5G>C has been observed in a case with relevant disease (PMID: 17371482). Relevant functional assessments of this variant are not available in the literature. c.799+5G>C has been observed in referenced population frequency databases. In summary, there is insufficient evidence to classify NM_000497.3(CYP11B1):c.799+5G>C as pathogenic or benign. Please note: this variant was assessed in the context of healthy population screening.

Victorian Clinical Genetics Services, Murdoch Childrens Research Institute
Classification: Likely pathogenic for Deficiency of steroid 11-beta-monooxygenase. Last evaluated: 2025-05-29. Review status: criteria provided, single submitter. Criteria: ACMG Guidelines, 2015. Collection method: clinical testing. Allele origin: germline. Affected: yes.
Comment: This variant is classified as Likely pathogenic. Evidence in support of pathogenic classification: Non-canonical splice site variant without proven consequence on splicing (no functional evidence available); Variant is present in gnomAD <0.01 (v4: 45 heterozygote(s), 0 homozygote(s)); This variant has moderate previous evidence of pathogenicity in unrelated individuals. This variant has been classified as pathogenic/likely pathogenic and as a VUS by clinical laboratories in ClinVar. It is also reported in the literature in a compound heterozygous state in an individual with congenital adrenal hyperplasia (PMID: 17371482). Additional information: This variant is heterozygous; This gene is associated with both recessive and dominant disease. Dominant disease is caused by a fusion event between the regulatory region of CYP11B1 and coding region of CYP11B2 (OMIM); Alternative nucleotide change(s) at the same splice site are present in gnomAD (Highest allele count: v4: 2 heterozygote(s), 0 homozygote(s)); No published functional evidence has been identified for this variant; No comparable splice site variants have previous evidence for pathogenicity; In silico prediction for abnormal splicing and nucleotide conservation are conflicting; Loss of function is a known mechanism of disease in this gene and is associated with adrenal hyperplasia, congenital, due to 11-beta-hydroxylase deficiency (MIM#202010). The mechanism for aldosteronism, glucocorticoid-remediable (MIM#103900) is unclear; Inheritance information for this variant is not currently available in this individual.

GeneDx
Classification: Likely pathogenic. Last evaluated: 2025-03-18. Review status: criteria provided, single submitter. Criteria: GeneDx Variant Classification Process June 2021. Collection method: clinical testing. Allele origin: germline. Affected: yes.
Comment: In silico analysis supports a deleterious effect on splicing; This variant is associated with the following publications: (PMID: 25525159, 25913739, 17371482)

Labcorp Genetics (formerly Invitae), Labcorp
Classification: Uncertain significance. Last evaluated: 2024-09-24. Review status: criteria provided, single submitter. Criteria: Invitae Variant Classification Sherloc (09022015). Collection method: clinical testing. Allele origin: germline.
Comment: This sequence change falls in intron 4 of the CYP11B1 gene. It does not directly change the encoded amino acid sequence of the CYP11B1 protein. It affects a nucleotide within the consensus splice site. This variant is present in population databases (rs193922542, gnomAD 0.05%). This variant has been observed in individual(s) with adrenal hyperplasia (PMID: 17371482). ClinVar contains an entry for this variant (Variation ID: 35991). Variants that disrupt the consensus splice site are a relatively common cause of aberrant splicing (PMID: 17576681, 9536098). Algorithms developed to predict the effect of sequence changes on RNA splicing suggest that this variant may disrupt the consensus splice site. In summary, the available evidence is currently insufficient to determine the role of this variant in disease. Therefore, it has been classified as a Variant of Uncertain Significance.

Baylor Genetics
Classification: Likely pathogenic for Deficiency of steroid 11-beta-monooxygenase. Last evaluated: 2024-03-18. Review status: criteria provided, single submitter. Criteria: ACMG Guidelines, 2015. Collection method: clinical testing. Allele origin: unknown.

Fulgent Genetics
Classification: Likely pathogenic for Glucocorticoid-remediable aldosteronism; Deficiency of steroid 11-beta-monooxygenase. Last evaluated: 2024-01-26. Review status: criteria provided, single submitter. Criteria: ACMG Guidelines, 2015. Collection method: clinical testing. Allele origin: germline.

Clinical Biochemistry Laboratory, Health Services Laboratory
Classification: Pathogenic for Deficiency of steroid 11-beta-monooxygenase. Last evaluated: 2023-11-20. Review status: criteria provided, single submitter. Criteria: ACMG Guidelines, 2015. Collection method: clinical testing. Allele origin: germline. Affected: yes.
Comment: ACMG:PVS1 PM2 PM3

Blueprint Genetics
Classification: Pathogenic for CYP11B1-related disorders. Last evaluated: 2020-04-27. Review status: criteria provided, single submitter. Criteria: ACMG Guidelines, 2015. Collection method: clinical testing. Allele origin: germline. Affected: yes. Observed: 2 variant alleles.

Athena Diagnostics
Classification: Uncertain significance. Last evaluated: 2020-03-19. Review status: criteria provided, single submitter. Criteria: Athena Diagnostics Criteria. Collection method: clinical testing. Allele origin: unknown.

Women's Health and Genetics/Laboratory Corporation of America, LabCorp
Classification: Uncertain significance for Congenital Adrenal Hyperplasia. Last evaluated: 2011-08-18. Review status: criteria provided, single submitter. Criteria: LabCorp Variant Classification Summary - May 2015. Collection method: curation, clinical testing. Allele origin: germline. Inheritance: autosomal recessive. Affected: yes. Observed: 1 variant allele.
ClinVar note: Converted during submission from uncertain to Uncertain significance.

PreventionGenetics, part of Exact Sciences
Classification: Likely pathogenic for CYP11B1-related condition. Last evaluated: 2024-06-13. Review status: no assertion criteria provided. Collection method: clinical testing. Allele origin: germline. Not counted in ClinVar's aggregate classification.
Comment: The CYP11B1 c.799+5G>C variant is predicted to interfere with splicing. This variant was reported in the compound heterozygous state with a nonsense CYP11B1 variant in an individual with congenital adrenal hyperplasia due to 11-ß-hydroxylase deficiency (Andrew et al. 2007. PubMed ID: 17371482). This variant is reported in 0.048% of alleles in individuals of African descent in gnomAD. This variant is interpreted as likely pathogenic.

Counsyl
Classification: Uncertain significance for Deficiency of steroid 11-beta-monooxygenase. Last evaluated: 2017-02-08. Review status: no assertion criteria provided. Collection method: clinical testing. Allele origin: unknown. Not counted in ClinVar's aggregate classification.

Literature cited by the submitters: PubMed 17371482 (cited by 6 submitters); PubMed 17576681 (cited by Labcorp Genetics (formerly Invitae), Labcorp); PubMed 9536098 (cited by Labcorp Genetics (formerly Invitae), Labcorp); PubMed 25525159 (cited by Athena Diagnostics); PubMed 25913739 (cited by Counsyl).

NM_000497.4(CYP11B1):c.799+5G>C

Genes: CYP11B1 (cytochrome P450 family 11 subfamily B member 1; minus strand), LOC106799833 (CYP11B1 recombination region; plus strand). Cytogenetic location: 8q24.3.
Variant type: single nucleotide variant.
Coding change: c.799+5G>C on transcript NM_000497.4 (MANE Select); 5 bases into the intron after coding-DNA position 799, G replaced by C.
Molecular consequence: intron variant.
Genome position (GRCh38, 1-based): chr8:142,876,677, C>G on the plus strand (G>C on the coding strand, the complement: CYP11B1 is on the minus strand). VCF-style: chr8-142876677-C-G. GRCh37 (hg19) VCF-style: chr8-143958093-C-G.
Other names: c.799+5G>C (NM_001026213.1).
Identifiers: ClinVar variation 35991 (VCV000035991.18), dbSNP rs193922542, ClinGen allele CA213671.
Genomic context (GRCh38, chr8:142,876,677, plus strand): 5'-AGAGGGAGAAATTGGGCCCCCATGGTGTCCCTTCCCCATAGCACTGCCCGGGTCCCTGGC[C>G]TCACCGTACTGGAAGATGCAGTCCCAGGCCTCAAAGTGCTCCTTCCACACCTTGGGGCTG-3'